The following is an entry in ClinVar:

NM_173689.7(CRB2):c.1298C>T (p.Pro433Leu)

Gene: CRB2 (crumbs cell polarity complex component 2; plus strand). Cytogenetic location: 9q33.3.
Variant type: single nucleotide variant.
Coding change: c.1298C>T on transcript NM_173689.7 (MANE Select); coding-DNA position 1298, C replaced by T.
Protein change: p.Pro433Leu; replaces proline 433 with leucine.
Molecular consequence: missense variant. On other transcripts: non-coding transcript variant (1).
Genome position (GRCh38, 1-based): chr9:123,370,351, C>T. VCF-style: chr9-123370351-C-T. GRCh37 (hg19) VCF-style: chr9-126132630-C-T.
Other names: c.1298C>T (NM_173689.5); short protein forms P433L.
Identifiers: ClinVar variation 788422 (VCV000788422.14), dbSNP rs150487212, ClinGen allele CA5231949.

ClinVar aggregate classification (germline): Conflicting classifications of pathogenicity. Review status: criteria provided, conflicting classifications (1 of 4 stars). 5 submissions from 5 submitters: Uncertain significance (1); Likely benign (3). 1 of the submissions does not count toward it. Last evaluated 2025-07-29.

Conditions:
Inborn genetic diseases. Identifiers: MedGen C0950123, MeSH D030342.
CRB2-related disorder. Also called: CRB2-related disorders; CRB2-related condition.

Allele frequency attached by ClinVar (database versions not stated): gnomAD exomes 0.00034; ExAC 0.00041; 1000 Genomes Project 0.00100; gnomAD 0.00114 and 0.00123; ESP Exome Variant Server 0.00131; 1000 Genomes Project 30x 0.00141; TOPMed 0.00141.
gnomAD v4.1: 404 of 1,613,870 alleles (0.025%); highest among the groups gnomAD compares: African/African-American, 0.45%; no homozygotes.

Submissions (5):

Labcorp Genetics (formerly Invitae), Labcorp
Classification: Likely benign. Last evaluated: 2025-07-29. Review status: criteria provided, single submitter. Criteria: Invitae Variant Classification Sherloc (09022015). Collection method: clinical testing. Allele origin: germline.

GeneDx
Classification: Uncertain significance. Last evaluated: 2025-06-02. Review status: criteria provided, single submitter. Criteria: GeneDx Variant Classification Process June 2021. Collection method: clinical testing. Allele origin: germline. Affected: yes.
Comment: Identified as a heterozygous variant in a patient with nephromegaly and nephrocalcinosis in published literature (PMID: 35368817) but additional evidence is not available; In silico analysis supports that this missense variant has a deleterious effect on protein structure/function; This variant is associated with the following publications: (PMID: 35368817)

Ambry Genetics
Classification: Likely benign for Inborn genetic diseases. Last evaluated: 2021-07-27. Review status: criteria provided, single submitter. Criteria: Ambry Variant Classification Scheme 2023. Collection method: clinical testing. Allele origin: germline.

Breakthrough Genomics
Classification: Likely benign. Review status: criteria provided, single submitter. Criteria: ACMG Guidelines, 2015. Collection method: not provided. Allele origin: germline. Inheritance: Autosomal recessive inheritance. Affected: yes.

PreventionGenetics, part of Exact Sciences
Classification: Likely benign for CRB2-related condition. Last evaluated: 2021-01-11. Review status: no assertion criteria provided. Collection method: clinical testing. Allele origin: germline. Not counted in ClinVar's aggregate classification.
Comment: This variant is classified as likely benign based on ACMG/AMP sequence variant interpretation guidelines (Richards et al. 2015 PMID: 25741868, with internal and published modifications).